The following is an entry in ClinVar:

ClinVar aggregate classification (germline): Uncertain significance (1 of 4 stars; one submission).

Allele frequency attached by ClinVar (database versions not stated): gnomAD exomes below 0.00001; TOPMed 0.00001.

Submission:

Labcorp Genetics (formerly Invitae), Labcorp
Classification: Uncertain significance. Last evaluated: 2022-12-13. Review status: criteria provided, single submitter. Criteria: Invitae Variant Classification Sherloc (09022015). Collection method: clinical testing. Allele origin: germline.
Comment: This variant is not present in population databases (gnomAD no frequency). This sequence change replaces glutamine, which is neutral and polar, with arginine, which is basic and polar, at codon 81 of the GNA11 protein (p.Gln81Arg). In summary, the available evidence is currently insufficient to determine the role of this variant in disease. Therefore, it has been classified as a Variant of Uncertain Significance. Advanced modeling of protein sequence and biophysical properties (such as structural, functional, and spatial information, amino acid conservation, physicochemical variation, residue mobility, and thermodynamic stability) performed at Invitae indicates that this missense variant is not expected to disrupt GNA11 protein function. This variant has not been reported in the literature in individuals affected with GNA11-related conditions.

NM_002067.5(GNA11):c.242A>G (p.Gln81Arg)

Gene: GNA11 (G protein subunit alpha 11; plus strand). Cytogenetic location: 19p13.3.
Variant type: single nucleotide variant.
Coding change: c.242A>G on transcript NM_002067.5 (MANE Select); coding-DNA position 242, A replaced by G.
Protein change: p.Gln81Arg; replaces glutamine 81 with arginine.
Molecular consequence: missense variant.
Genome position (GRCh38, 1-based): chr19:3,110,254, A>G. VCF-style: chr19-3110254-A-G. GRCh37 (hg19) VCF-style: chr19-3110252-A-G.
Other names: short protein forms Q81R.
Identifiers: ClinVar variation 2893300 (VCV002893300.3), dbSNP rs1402723163, ClinGen allele CA403305710.